The following is an entry in ClinVar:

ClinVar aggregate classification (germline): Likely pathogenic. Review status: criteria provided, multiple submitters, no conflicts (2 of 4 stars). 2 submissions from 2 submitters: Likely pathogenic (2). Last evaluated 2022-03-03.

Submissions (2):

Labcorp Genetics (formerly Invitae), Labcorp
Classification: Likely pathogenic. Last evaluated: 2022-03-03. Review status: criteria provided, single submitter. Criteria: Invitae Variant Classification Sherloc (09022015). Collection method: clinical testing. Allele origin: germline.
Comment: In summary, the currently available evidence indicates that the variant is pathogenic, but additional data are needed to prove that conclusively. Therefore, this variant has been classified as Likely Pathogenic. Algorithms developed to predict the effect of sequence changes on RNA splicing suggest that this variant may disrupt the consensus splice site. ClinVar contains an entry for this variant (Variation ID: 423646). This variant has not been reported in the literature in individuals affected with COL4A4-related conditions. This variant is not present in population databases (gnomAD no frequency). This sequence change affects a splice site in intron 44 of the COL4A4 gene. It is expected to disrupt RNA splicing. Variants that disrupt the donor or acceptor splice site typically lead to a loss of protein function (PMID: 16199547), and loss-of-function variants in COL4A4 are known to be pathogenic (PMID: 21196518, 24854265, 25307543).

GeneDx
Classification: Likely pathogenic. Last evaluated: 2017-02-14. Review status: criteria provided, single submitter. Criteria: GeneDx Variant Classification (06012015). Collection method: clinical testing. Allele origin: germline. Affected: yes.
Comment: The c.4216+1delG variant in the COL4A4 gene has not been reported previously as a pathogenic variant nor as a benign variant, to our knowledge. This splice site variant destroys the canonical splice donor site in intron 44. It is predicted to cause abnormal gene splicing, either leading to an abnormal message that is subject to nonsense-mediated mRNA decay, or to an abnormal protein product if the message is used for protein translation. The c.4216+1delG variant is not observed in large population cohorts (Lek et al., 2016; 1000 Genomes Consortium et al., 2015; Exome Variant Server). We interpret c.4216+1delG as a likely pathogenic variant.

Literature cited by the submitters: PubMed 16199547 (cited by Labcorp Genetics (formerly Invitae), Labcorp); PubMed 21196518 (cited by Labcorp Genetics (formerly Invitae), Labcorp); PubMed 24854265 (cited by Labcorp Genetics (formerly Invitae), Labcorp); PubMed 25307543 (cited by Labcorp Genetics (formerly Invitae), Labcorp).

NM_000092.5(COL4A4):c.4216+1del

Gene: COL4A4 (collagen type IV alpha 4 chain; minus strand). Cytogenetic location: 2q36.3.
Variant type: Deletion.
Coding change: c.4216+1del on transcript NM_000092.5 (MANE Select); the canonical splice donor site of the intron after coding-DNA position 4216, one base deleted (G; older notation c.4216+1delG).
Molecular consequence: splice donor variant.
Genome position (GRCh38, 1-based): chr2:227,022,047, C deleted on the plus strand (G on the coding strand, the reverse complement: COL4A4 is on the minus strand); the first of 2 consecutive C bases (chr2:227,022,047-227,022,048); deleting either gives the same sequence. VCF-style (leftmost placement, unchanged base first): chr2-227022046-AC-A. GRCh37 (hg19) VCF-style: chr2-227886762-AC-A.
Other names: c.4216+1delG (NM_000092.4).
Identifiers: ClinVar variation 423646 (VCV000423646.9), dbSNP rs1064796549, ClinGen allele CA16617485.